The following is an entry in ClinVar:

ClinVar aggregate classification (germline): Uncertain significance (1 of 4 stars; one submission).

Conditions:
Cystic fibrosis (CF). Also called: MUCOVISCIDOSIS. Identifiers: Orphanet 586, MedGen C0010674, MONDO:0009061, OMIM 219700. Disease mechanism: loss of function.

Submission:

Ambry Genetics
Classification: Uncertain significance for Cystic fibrosis. Last evaluated: 2024-05-10. Review status: criteria provided, single submitter. Criteria: Ambry Variant Classification Scheme 2023. Collection method: clinical testing. Allele origin: germline.
Comment: The p.D1445E variant (also known as c.4335C>G), located in coding exon 27 of the CFTR gene, results from a C to G substitution at nucleotide position 4335. The aspartic acid at codon 1445 is replaced by glutamic acid, an amino acid with highly similar properties. This amino acid position is conserved. In addition, this alteration is predicted to be tolerated by in silico analysis. Based on the available evidence, the clinical significance of this variant remains unclear.

NM_000492.4(CFTR):c.4335C>G (p.Asp1445Glu)

Genes: CFTR (CF transmembrane conductance regulator; plus strand), LOC111674477 (CFTR intron 23 enhancer; plus strand). Cytogenetic location: 7q31.2.
Variant type: single nucleotide variant.
Coding change: c.4335C>G on transcript NM_000492.4 (MANE Select); coding-DNA position 4335, C replaced by G.
Protein change: p.Asp1445Glu; replaces aspartic acid 1445 with glutamic acid.
Molecular consequence: missense variant.
Genome position (GRCh38, 1-based): chr7:117,667,000, C>G. VCF-style: chr7-117667000-C-G. GRCh37 (hg19) VCF-style: chr7-117307054-C-G.
Other names: short protein forms D1445E.
Identifiers: ClinVar variation 3266666 (VCV003266666.1).